The following is an entry in ClinVar:

NM_007194.4(CHEK2):c.123del (p.Ser42fs)

Gene: CHEK2 (checkpoint kinase 2; minus strand). Cytogenetic location: 22q12.1.
Variant type: Deletion.
Coding change: c.123del on transcript NM_007194.4 (MANE Select); coding-DNA position 123, one base deleted (C; older notation c.123delC).
Protein change: p.Ser42fs; shifts the reading frame from serine 42.
Molecular consequence: frameshift variant.
Genome position (GRCh38, 1-based): chr22:28,734,599, G deleted on the plus strand (C on the coding strand, the reverse complement: CHEK2 is on the minus strand); the first of 2 consecutive G bases (chr22:28,734,599-28,734,600); deleting either gives the same sequence. VCF-style (leftmost placement, unchanged base first): chr22-28734598-AG-A. GRCh37 (hg19) VCF-style: chr22-29130586-AG-A.
Other names: c.122delC, p.Ser42Leufs (NM_001005735.3, NM_001349956.3, NM_145862.3); c.-656delC (NM_001257387.3); short protein forms S42fs.
Identifiers: ClinVar variation 2859421 (VCV002859421.3), dbSNP rs2518132799, ClinGen allele CA2739265678.

ClinVar aggregate classification (germline): Pathogenic (1 of 4 stars; one submission).

Conditions:
Familial cancer of breast. Also called: Hereditary breast cancer; BREAST CANCER, FAMILIAL; hereditary breast carcinoma. Identifiers: Orphanet 227535, MedGen C0346153, MONDO:0016419, OMIM 114480. Disease mechanism: loss of function.

Submission:

Labcorp Genetics (formerly Invitae), Labcorp
Classification: Pathogenic for Familial cancer of breast. Last evaluated: 2023-12-12. Review status: criteria provided, single submitter. Criteria: Invitae Variant Classification Sherloc (09022015). Collection method: clinical testing. Allele origin: germline.
Comment: This sequence change creates a premature translational stop signal (p.Ser42Leufs*19) in the CHEK2 gene. It is expected to result in an absent or disrupted protein product. Loss-of-function variants in CHEK2 are known to be pathogenic (PMID: 21876083, 24713400). This variant is not present in population databases (gnomAD no frequency). This variant has not been reported in the literature in individuals affected with CHEK2-related conditions. For these reasons, this variant has been classified as Pathogenic.

Literature cited by the submitters: PubMed 21876083; PubMed 24713400.